The following is an entry in ClinVar:

ClinVar aggregate classification (germline): Conflicting classifications of pathogenicity. Review status: criteria provided, conflicting classifications (1 of 4 stars). 5 submissions from 5 submitters: Pathogenic (2); Likely pathogenic (1); Uncertain significance (1). 1 of the submissions does not count toward it. Last evaluated 2024-09-03.

Conditions:
RYR1-related disorder. Also called: RYR1-related condition; RYR1-related disorders. Identifiers: MedGen CN239331.
Central core myopathy (CMYO1A). Also called: CONGENITAL MYOPATHY 1A, AUTOSOMAL DOMINANT, WITH SUSCEPTIBILITY TO MALIGNANT HYPERTHERMIA; Central core disease; Myopathy, central fibrillar. Identifiers: Orphanet 597, MedGen C5830701, MONDO:0007294, OMIM 117000.

Submissions (5):

Blueprint Genetics
Classification: Uncertain significance. Last evaluated: 2024-09-03. Review status: criteria provided, single submitter. Criteria: ACMG Guidelines, 2015. Collection method: clinical testing. Allele origin: germline.

PreventionGenetics, part of Exact Sciences
Classification: Likely pathogenic for RYR1-related condition. Last evaluated: 2023-04-20. Review status: criteria provided, single submitter. Criteria: ACMG Guidelines, 2015. Collection method: clinical testing. Allele origin: germline.
Comment: The RYR1 c.958G>A variant is predicted to result in the amino acid substitution p.Glu320Lys. To our knowledge, this variant has not been reported in the literature or in a large population database, indicating this variant is rare. This variant is interpreted as likely pathogenic.

Labcorp Genetics (formerly Invitae), Labcorp
Classification: Pathogenic for RYR1-related disorder. Last evaluated: 2022-06-03. Review status: criteria provided, single submitter. Criteria: Invitae Variant Classification Sherloc (09022015). Collection method: clinical testing. Allele origin: germline.
Comment: This missense change has been observed in individual(s) with developmental delay, hypotonia, muscle weakness, and scoliosis (Invitae). In at least one individual the variant was observed to be de novo. For these reasons, this variant has been classified as Pathogenic. Algorithms developed to predict the effect of sequence changes on RNA splicing suggest that this variant may create or strengthen a splice site. Algorithms developed to predict the effect of missense changes on protein structure and function are either unavailable or do not agree on the potential impact of this missense change (SIFT: "Deleterious"; PolyPhen-2: "Benign"; Align-GVGD: "Class C0"). ClinVar contains an entry for this variant (Variation ID: 569043). This variant is not present in population databases (gnomAD no frequency). This sequence change replaces glutamic acid, which is acidic and polar, with lysine, which is basic and polar, at codon 320 of the RYR1 protein (p.Glu320Lys).

Laboratory of Medical Genetics, National & Kapodistrian University of Athens
Classification: Pathogenic for Central core myopathy. Last evaluated: 2022-02-16. Review status: criteria provided, single submitter. Criteria: ACMG Guidelines, 2015. Collection method: clinical testing. Allele origin: germline. Affected: yes.
Comment: PVS1, PS2, PM2, PM5, PP3, PP5

Revvity Omics, Revvity
Classification: Uncertain significance. Last evaluated: 2024-02-26. Review status: flagged submission. Criteria: ACMG Guidelines, 2015. Collection method: clinical testing. Allele origin: germline. Not counted in ClinVar's aggregate classification.
ClinVar note: Reason: Outlier claim with insufficient supporting evidence

NM_000540.3(RYR1):c.958G>A (p.Glu320Lys)

Gene: RYR1 (ryanodine receptor 1; plus strand). Cytogenetic location: 19q13.2.
Variant type: single nucleotide variant.
Coding change: c.958G>A on transcript NM_000540.3 (MANE Select); coding-DNA position 958, G replaced by A.
Protein change: p.Glu320Lys; replaces glutamic acid 320 with lysine.
Molecular consequence: missense variant.
Genome position (GRCh38, 1-based): chr19:38,448,649, G>A. VCF-style: chr19-38448649-G-A. GRCh37 (hg19) VCF-style: chr19-38939289-G-A.
Other names: c.958G>A, p.Glu320Lys (NM_001042723.2); short protein forms E320K.
Identifiers: ClinVar variation 569043 (VCV000569043.15), dbSNP rs1568440962, ClinGen allele CA405682570.